The following is an entry in ClinVar:

NM_000108.5(DLD):c.337+216C>G

Gene: DLD (dihydrolipoamide dehydrogenase; plus strand). Cytogenetic location: 7q31.1.
Variant type: single nucleotide variant.
Coding change: c.337+216C>G on transcript NM_000108.5 (MANE Select); 216 bases into the intron after coding-DNA position 337, C replaced by G.
Molecular consequence: intron variant.
Genome position (GRCh38, 1-based): chr7:107,903,763, C>G. VCF-style: chr7-107903763-C-G. GRCh37 (hg19) VCF-style: chr7-107544208-C-G.
Other names: c.337+216C>G (NM_001289752.1); c.268+216C>G (NM_001289751.1); c.40+216C>G (NM_001289750.1).
Identifiers: ClinVar variation 683735 (VCV000683735.2), dbSNP rs2108222, ClinGen allele CA15492077.

ClinVar aggregate classification (germline): Benign. Review status: criteria provided, multiple submitters, no conflicts (2 of 4 stars). 2 submissions from 2 submitters: Benign (2). Last evaluated 2018-06-14.

Allele frequency attached by ClinVar (database versions not stated): gnomAD 0.65305; TOPMed 0.65748; 1000 Genomes Project 30x 0.70472; 1000 Genomes Project 0.70487.
gnomAD v4.1: 254,741 of 410,430 alleles (62%); highest among the groups gnomAD compares: East Asian, 86%; 80,958 homozygotes.

Submissions (2):

GeneDx
Classification: Benign. Last evaluated: 2018-06-14. Review status: criteria provided, single submitter. Criteria: GeneDx Variant Classification (06012015). Collection method: clinical testing. Allele origin: germline. Affected: yes.
Comment: This variant is considered likely benign or benign based on one or more of the following criteria: it is a conservative change, it occurs at a poorly conserved position in the protein, it is predicted to be benign by multiple in silico algorithms, and/or has population frequency not consistent with disease.

Breakthrough Genomics
Classification: Benign. Review status: criteria provided, single submitter. Criteria: ACMG Guidelines, 2015. Collection method: not provided. Allele origin: germline. Inheritance: Autosomal recessive inheritance. Affected: yes.